The following is an entry in ClinVar:

ClinVar aggregate classification (germline): Benign/Likely benign. Review status: criteria provided, multiple submitters, no conflicts (2 of 4 stars). 3 submissions from 3 submitters: Benign (1); Likely benign (2). Last evaluated 2026-01-12.

Conditions:
Cone-rod dystrophy 7 (CORD7). Identifiers: Orphanet 1872, MedGen C1863634, MONDO:0011355, OMIM 603649.

Allele frequency attached by ClinVar (database versions not stated): gnomAD exomes 0.00065 and 0.00134; gnomAD 0.00071 and 0.00077; TOPMed 0.00071; ExAC 0.00074; ESP Exome Variant Server 0.00137.
gnomAD v4.1: 1,974 of 1,572,734 alleles (0.13%); highest among the groups gnomAD compares: Non-Finnish European, 0.16%; 2 homozygotes.

Submissions (3):

Labcorp Genetics (formerly Invitae), Labcorp
Classification: Likely benign. Last evaluated: 2026-01-12. Review status: criteria provided, single submitter. Criteria: Invitae Variant Classification Sherloc (09022015). Collection method: clinical testing. Allele origin: germline.

Blueprint Genetics
Classification: Likely benign. Last evaluated: 2024-10-23. Review status: criteria provided, single submitter. Criteria: ACMG Guidelines, 2015. Collection method: clinical testing. Allele origin: germline.

Illumina Laboratory Services, Illumina
Classification: Benign for Cone-rod dystrophy 7. Last evaluated: 2018-01-13. Review status: criteria provided, single submitter. Criteria: ICSL Variant Classification Criteria 13 December 2019. Collection method: clinical testing. Allele origin: germline.
Comment: This variant was observed in the ICSL laboratory as part of a predisposition screen in an ostensibly healthy population. It had not been previously curated by ICSL or reported in the Human Gene Mutation Database (HGMD: prior to June 1st, 2018), and was therefore a candidate for classification through an automated scoring system. Utilizing variant allele frequency, disease prevalence and penetrance estimates, and inheritance mode, an automated score was calculated to assess if this variant is too frequent to cause the disease. Based on the score and internal cut-off values, a variant classified as benign is not then subjected to further curation. The score for this variant resulted in a classification of benign for this disease.

NM_014989.7(RIMS1):c.2367T>C (p.Asp789=)

Gene: RIMS1 (regulating synaptic membrane exocytosis 1; plus strand). Cytogenetic location: 6q13.
Variant type: single nucleotide variant.
Coding change: c.2367T>C on transcript NM_014989.7 (MANE Select); coding-DNA position 2367, T replaced by C.
Protein change: p.Asp789=; no amino-acid change (aspartic acid 789 retained).
Molecular consequence: synonymous variant.
Genome position (GRCh38, 1-based): chr6:72,250,455, T>C. VCF-style: chr6-72250455-T-C. GRCh37 (hg19) VCF-style: chr6-72960158-T-C.
Other names: c.789T>C, p.Asp263= (NM_001168407.2, NM_001168408.2, NM_001350414.2 and 37 more transcripts); c.546T>C, p.Asp182= (NM_001168409.2, NM_001350461.2, NM_001350463.2 and 6 more transcripts); c.744T>C, p.Asp248= (NM_001168410.2, NM_001350470.2, NM_001350472.2 and 2 more transcripts); c.720T>C, p.Asp240= (NM_001350421.2, NM_001350424.2, NM_001350428.2 and 6 more transcripts).
Identifiers: ClinVar variation 357845 (VCV000357845.16), dbSNP rs370823273, ClinGen allele CA3885954.
Genomic context (GRCh38, chr6:72,250,455, plus strand): 5'-ACCTGCTAGAGTAGATGGACGTCCTCGAAATCCCTATGTAAAAATGTATTTTCTTCCAGA[T>C]AGAAGGTAGTGAATAATTTTAGAAAAAAAAAATCTTAAAATCTGTACTAATAGAAAAGGT-3'
Protein context (NP_055804.2, residues 779-799): NPYVKMYFLP[Asp789=]RSDKSKRRTK